The following is an entry in ClinVar:

ClinVar aggregate classification (germline): Pathogenic. Review status: criteria provided, multiple submitters, no conflicts (2 of 4 stars). 2 submissions from 2 submitters: Pathogenic (2). Last evaluated 2025-02-03.

Conditions:
Early-infantile DEE. Also called: Early infantile epileptic encephalopathy; Early infantile epileptic encephalopathy with suppression bursts; Ohtahara syndrome. Identifiers: Orphanet 1934, MedGen C0393706, MONDO:0800491.

Submissions (2):

Labcorp Genetics (formerly Invitae), Labcorp
Classification: Pathogenic for Early-infantile DEE. Last evaluated: 2025-02-03. Review status: criteria provided, single submitter. Criteria: Invitae Variant Classification Sherloc (09022015). Collection method: clinical testing. Allele origin: germline.
Comment: This sequence change creates a premature translational stop signal (p.Lys1094Asnfs*13) in the SCN1A gene. It is expected to result in an absent or disrupted protein product. Loss-of-function variants in SCN1A are known to be pathogenic (PMID: 17347258, 18930999). This variant is not present in population databases (gnomAD no frequency). This premature translational stop signal has been observed in individual(s) with clinical features of Dravet syndrome (PMID: 28202706). ClinVar contains an entry for this variant (Variation ID: 864700). For these reasons, this variant has been classified as Pathogenic.

GeneDx
Classification: Pathogenic. Last evaluated: 2022-11-17. Review status: criteria provided, single submitter. Criteria: GeneDx Variant Classification Process June 2021. Collection method: clinical testing. Allele origin: germline. Affected: yes.
Comment: Frameshift variant predicted to result in protein truncation or nonsense mediated decay in a gene for which loss of function is a known mechanism of disease; Not observed at significant frequency in large population cohorts (gnomAD); This variant is associated with the following publications: (PMID: 28202706)

Literature cited by the submitters: PubMed 17347258 (cited by Labcorp Genetics (formerly Invitae), Labcorp); PubMed 18930999 (cited by Labcorp Genetics (formerly Invitae), Labcorp); PubMed 28202706 (cited by Labcorp Genetics (formerly Invitae), Labcorp).

NM_001165963.4(SCN1A):c.3282del (p.Lys1094fs)

Genes: SCN1A (sodium voltage-gated channel alpha subunit 1; minus strand), LOC102724058 (uncharacterized LOC102724058; plus strand). Cytogenetic location: 2q24.3.
Variant type: Deletion.
Coding change: c.3282del on transcript NM_001165963.4 (MANE Select); coding-DNA position 3282, one base deleted (A; older notation c.3282delA).
Protein change: p.Lys1094fs; shifts the reading frame from lysine 1094.
Molecular consequence: frameshift variant. On other transcripts: non-coding transcript variant (2).
Genome position (GRCh38, 1-based): chr2:166,036,195, T deleted on the plus strand (A on the coding strand, the reverse complement: SCN1A is on the minus strand); the first of 5 consecutive T bases (chr2:166,036,195-166,036,199); deleting any one gives the same sequence. VCF-style (leftmost placement, unchanged base first): chr2-166036194-AT-A. GRCh37 (hg19) VCF-style: chr2-166892704-AT-A.
Other names: c.3198del, p.Lys1066fs (NM_001165964.3, NM_001353957.2, NM_001353958.2); c.3282del, p.Lys1094fs (NM_001202435.3, NM_001353948.2); c.3249del, p.Lys1083fs (NM_001353949.2, NM_001353950.2, NM_001353951.2 and 2 more transcripts); c.3246del, p.Lys1082fs (NM_001353954.2, NM_001353955.2); c.3195del, p.Lys1065fs (NM_001353960.2); c.840del, p.Lys280fs (NM_001353961.2); short protein forms K1082fs, K1065fs, K1083fs, K1066fs, K1094fs, K280fs.
Identifiers: ClinVar variation 864700 (VCV000864700.11), dbSNP rs1696338792, ClinGen allele CA916082241.